The following is an entry in ClinVar:

ClinVar aggregate classification (germline): Uncertain significance (1 of 4 stars; one submission).

Allele frequency attached by ClinVar (database versions not stated): gnomAD exomes 0.00001 and 0.00005; ExAC 0.00004; gnomAD 0.00006 and 0.00007; TOPMed 0.00007; 1000 Genomes Project 30x 0.00016.
gnomAD v4.1: 27 of 1,600,136 alleles (0.0017%); highest among the groups gnomAD compares: Admixed American, 0.012%; no homozygotes.

Submission:

Labcorp Genetics (formerly Invitae), Labcorp
Classification: Uncertain significance. Last evaluated: 2022-07-21. Review status: criteria provided, single submitter. Criteria: Invitae Variant Classification Sherloc (09022015). Collection method: clinical testing. Allele origin: germline.
Comment: This sequence change falls in intron 12 of the MYO18B gene. It does not directly change the encoded amino acid sequence of the MYO18B protein. It affects a nucleotide within the consensus splice site. This variant is present in population databases (rs776215960, gnomAD 0.02%). This variant has not been reported in the literature in individuals affected with MYO18B-related conditions. ClinVar contains an entry for this variant (Variation ID: 1424625). Variants that disrupt the consensus splice site are a relatively common cause of aberrant splicing (PMID: 17576681, 9536098). Algorithms developed to predict the effect of sequence changes on RNA splicing suggest that this variant is not likely to affect RNA splicing. In summary, the available evidence is currently insufficient to determine the role of this variant in disease. Therefore, it has been classified as a Variant of Uncertain Significance.

Literature cited by the submitters: PubMed 17576681; PubMed 9536098.

NM_032608.7(MYO18B):c.2521+4C>T

Gene: MYO18B (myosin XVIIIB; plus strand). Cytogenetic location: 22q12.1.
Variant type: single nucleotide variant.
Coding change: c.2521+4C>T on transcript NM_032608.7 (MANE Select); 4 bases into the intron after coding-DNA position 2521, C replaced by T.
Molecular consequence: intron variant.
Genome position (GRCh38, 1-based): chr22:25,798,101, C>T. VCF-style: chr22-25798101-C-T. GRCh37 (hg19) VCF-style: chr22-26194068-C-T.
Other names: c.2521+4C>T (NM_001318245.2).
Identifiers: ClinVar variation 1424625 (VCV001424625.3), dbSNP rs776215960, ClinGen allele CA10160197.